The following is an entry in ClinVar:

NM_003079.5(SMARCE1):c.103G>A (p.Ala35Thr)

Gene: SMARCE1 (SWI/SNF related BAF chromatin remodeling complex subunit E1; minus strand). Cytogenetic location: 17q21.2.
Variant type: single nucleotide variant.
Coding change: c.103G>A on transcript NM_003079.5 (MANE Select); coding-DNA position 103, G replaced by A.
Protein change: p.Ala35Thr; replaces alanine 35 with threonine.
Molecular consequence: missense variant.
Genome position (GRCh38, 1-based): chr17:40,642,508, C>T on the plus strand (G>A on the coding strand, the complement: SMARCE1 is on the minus strand). VCF-style: chr17-40642508-C-T. GRCh37 (hg19) VCF-style: chr17-38798760-C-T.
Other names: short protein forms A35T.
Identifiers: ClinVar variation 3674095 (VCV003674095.4).
Genomic context (GRCh38, chr17:40,642,508, plus strand): 5'-CTCCTACCGTGACCCGGCTGTTGGTGCCCGGGTTCCCTCCCAGCCTGTAGTTGTTGTAGG[C>T]GAGATGACTGTATGGATTGTATCCCACAAACCCTGGTGTGCTGGGCATTTGCTGATGGAA-3'
Protein context (NP_003070.3, residues 25-45): FVGYNPYSHL[Ala35Thr]YNNYRLGGNP

ClinVar aggregate classification (germline): Uncertain significance. Review status: criteria provided, multiple submitters, no conflicts (2 of 4 stars). 2 submissions from 2 submitters: Uncertain significance (2). Last evaluated 2025-08-14.

Conditions:
Hereditary cancer-predisposing syndrome. Also called: Neoplastic Syndromes, Hereditary; Tumor predisposition; Hereditary Cancer Syndrome; Hereditary neoplastic syndrome. Identifiers: Orphanet 140162, MedGen C0027672, MeSH D009386, MONDO:0015356.
Familial meningioma. Also called: Meningioma, familial, susceptibility to. Identifiers: Orphanet 263662, MedGen C3551915, MONDO:0011789, OMIM 607174.

Submissions (2):

Ambry Genetics
Classification: Uncertain significance for Hereditary cancer-predisposing syndrome. Last evaluated: 2025-08-14. Review status: criteria provided, single submitter. Criteria: Ambry Variant Classification Scheme 2023. Collection method: clinical testing. Allele origin: germline.
Comment: The p.A35T variant (also known as c.103G>A), located in coding exon 3 of the SMARCE1 gene, results from a G to A substitution at nucleotide position 103. The alanine at codon 35 is replaced by threonine, an amino acid with similar properties. This amino acid position is highly conserved in available vertebrate species. In addition, the in silico prediction for this alteration is inconclusive. Based on the available evidence, the clinical significance of this variant remains unclear.

Labcorp Genetics (formerly Invitae), Labcorp
Classification: Uncertain significance for Familial meningioma. Last evaluated: 2024-08-06. Review status: criteria provided, single submitter. Criteria: Invitae Variant Classification Sherloc (09022015). Collection method: clinical testing. Allele origin: germline.
Comment: This sequence change replaces alanine, which is neutral and non-polar, with threonine, which is neutral and polar, at codon 35 of the SMARCE1 protein (p.Ala35Thr). This variant is not present in population databases (gnomAD no frequency). This variant has not been reported in the literature in individuals affected with SMARCE1-related conditions. Advanced modeling of protein sequence and biophysical properties (such as structural, functional, and spatial information, amino acid conservation, physicochemical variation, residue mobility, and thermodynamic stability) performed at Invitae indicates that this missense variant is not expected to disrupt SMARCE1 protein function with a negative predictive value of 80%. In summary, the available evidence is currently insufficient to determine the role of this variant in disease. Therefore, it has been classified as a Variant of Uncertain Significance.